The following is an entry in ClinVar:

ClinVar aggregate classification (germline): Uncertain significance. Review status: criteria provided, multiple submitters, no conflicts (2 of 4 stars). 3 submissions from 3 submitters: Uncertain significance (2). 1 of the submissions does not count toward it. Last evaluated 2023-12-30.

Conditions:
ABCB4-related disorder. Also called: ABCB4-related disorders; ABCB4-related condition.

Allele frequency attached by ClinVar (database versions not stated): gnomAD exomes 0.00001; TOPMed 0.00001.
gnomAD v4.1: 5 of 1,612,716 alleles (0.00031%); no homozygotes.

Submissions (3):

Labcorp Genetics (formerly Invitae), Labcorp
Classification: Uncertain significance. Last evaluated: 2023-12-30. Review status: criteria provided, single submitter. Criteria: Invitae Variant Classification Sherloc (09022015). Collection method: clinical testing. Allele origin: germline.
Comment: This sequence change falls in intron 25 of the ABCB4 gene. It does not directly change the encoded amino acid sequence of the ABCB4 protein. This variant is present in population databases (rs200617059, gnomAD 0.01%). This variant has not been reported in the literature in individuals affected with ABCB4-related conditions. ClinVar contains an entry for this variant (Variation ID: 498419). Algorithms developed to predict the effect of sequence changes on RNA splicing suggest that this variant may disrupt the consensus splice site. In summary, the available evidence is currently insufficient to determine the role of this variant in disease. Therefore, it has been classified as a Variant of Uncertain Significance.

Eurofins Ntd Llc (ga)
Classification: Uncertain significance. Last evaluated: 2018-02-19. Review status: criteria provided, single submitter. Criteria: EGL ClinVar v180209 classification definitions. Collection method: clinical testing. Allele origin: germline. Observed: 2 variant alleles, 2 heterozygotes.

PreventionGenetics, part of Exact Sciences
Classification: Uncertain significance for ABCB4-related condition. Last evaluated: 2024-04-17. Review status: no assertion criteria provided. Collection method: clinical testing. Allele origin: germline. Not counted in ClinVar's aggregate classification.
Comment: The ABCB4 c.3292G>A variant is predicted to result in the amino acid substitution p.Gly1098Ser. To our knowledge, this variant has not been reported in the literature. This variant is reported in 0.020% of alleles in individuals of Ashkenazi Jewish descent in gnomAD. At this time, the clinical significance of this variant is uncertain due to the absence of conclusive functional and genetic evidence.

NM_000443.4(ABCB4):c.3280-9G>A

Gene: ABCB4 (ATP binding cassette subfamily B member 4; minus strand). Cytogenetic location: 7q21.12.
Variant type: single nucleotide variant.
Coding change: c.3280-9G>A on transcript NM_000443.4 (MANE Select); 9 bases into the intron before coding-DNA position 3280, G replaced by A.
Molecular consequence: intron variant. On other transcripts: missense variant (1).
Genome position (GRCh38, 1-based): chr7:87,406,503, C>T on the plus strand (G>A on the coding strand, the complement: ABCB4 is on the minus strand). VCF-style: chr7-87406503-C-T. GRCh37 (hg19) VCF-style: chr7-87035819-C-T.
Other names: c.3292G>A, p.Gly1098Ser (NM_018849.3); c.3139-9G>A (NM_018850.3); c.3292G>A (NM_018849.2); short protein forms G1098S.
Identifiers: ClinVar variation 498419 (VCV000498419.9), dbSNP rs200617059, ClinGen allele CA162103705.